The following is an entry in ClinVar:

ClinVar aggregate classification (germline): Uncertain significance. Review status: criteria provided, single submitter (1 of 4 stars). 2 submissions from 2 submitters: Uncertain significance (1). 1 of the submissions does not count toward it. Last evaluated 2023-08-17.

Conditions:
KIDINS220-related disorder. Also called: KIDINS220-related condition.

Allele frequency attached by ClinVar (database versions not stated): gnomAD exomes below 0.00001; TOPMed 0.00001.
gnomAD v4.1: 6 of 1,614,148 alleles (0.00037%); highest among the groups gnomAD compares: Admixed American, 0.0067%; no homozygotes.

Submissions (2):

Labcorp Genetics (formerly Invitae), Labcorp
Classification: Uncertain significance. Last evaluated: 2023-08-17. Review status: criteria provided, single submitter. Criteria: Invitae Variant Classification Sherloc (09022015). Collection method: clinical testing. Allele origin: germline.
Comment: This sequence change replaces valine, which is neutral and non-polar, with isoleucine, which is neutral and non-polar, at codon 1205 of the KIDINS220 protein (p.Val1205Ile). In summary, the available evidence is currently insufficient to determine the role of this variant in disease. Therefore, it has been classified as a Variant of Uncertain Significance. Algorithms developed to predict the effect of missense changes on protein structure and function output the following: SIFT: "Not Available"; PolyPhen-2: "Benign"; Align-GVGD: "Not Available". The isoleucine amino acid residue is found in multiple mammalian species, which suggests that this missense change does not adversely affect protein function. ClinVar contains an entry for this variant (Variation ID: 1942348). This variant has not been reported in the literature in individuals affected with KIDINS220-related conditions. This variant is present in population databases (no rsID available, gnomAD 0.006%).

PreventionGenetics, part of Exact Sciences
Classification: Uncertain significance for KIDINS220-related condition. Last evaluated: 2024-09-03. Review status: no assertion criteria provided. Collection method: clinical testing. Allele origin: germline. Not counted in ClinVar's aggregate classification.
Comment: The KIDINS220 c.3613G>A variant is predicted to result in the amino acid substitution p.Val1205Ile. To our knowledge, this variant has not been reported in the literature. This variant is reported in 0.0058% of alleles in individuals of Latino descent in gnomAD. At this time, the clinical significance of this variant is uncertain due to the absence of conclusive functional and genetic evidence.

NM_020738.4(KIDINS220):c.3613G>A (p.Val1205Ile)

Gene: KIDINS220 (kinase D interacting substrate 220; minus strand). Cytogenetic location: 2p25.1.
Variant type: single nucleotide variant.
Coding change: c.3613G>A on transcript NM_020738.4 (MANE Select); coding-DNA position 3613, G replaced by A.
Protein change: p.Val1205Ile; replaces valine 1205 with isoleucine.
Molecular consequence: missense variant. On other transcripts: non-coding transcript variant (2).
Genome position (GRCh38, 1-based): chr2:8,736,972, C>T on the plus strand (G>A on the coding strand, the complement: KIDINS220 is on the minus strand). VCF-style: chr2-8736972-C-T. GRCh37 (hg19) VCF-style: chr2-8877102-C-T.
Other names: c.3616G>A, p.Val1206Ile (NM_001348729.2); c.3559G>A, p.Val1187Ile (NM_001348731.2); c.3556G>A, p.Val1186Ile (NM_001348732.2, NM_001348738.2); c.3445G>A, p.Val1149Ile (NM_001348734.2, NM_001348739.2, NM_001348740.2); c.3442G>A, p.Val1148Ile (NM_001348735.2, NM_001348741.2, NM_001348742.2 and 1 more transcripts); c.3316G>A, p.Val1106Ile (NM_001348736.2); c.3613G>A (NM_020738.2); short protein forms V1148I, V1149I, V1187I, V1206I, V1106I, V1205I, V1186I.
Identifiers: ClinVar variation 1942348 (VCV001942348.6), dbSNP rs1466726665, ClinGen allele CA345769227.
Genomic context (GRCh38, chr2:8,736,972, plus strand): 5'-GCCCTTCTATTTGTTTCAGCTTCTCACATACTGCATCCACATTCAGTGAATTCAGTAATA[C>T]CACTGGGCCTGGGGCTGGGCCTGACCCCTAGAGAAGTCAAGGAAAAATACAGGTATGAAT-3'
Protein context (NP_065789.1, residues 1195-1215): RGSGPAPGPV[Val1205Ile]LLNSLNVDAV